The following is an entry in ClinVar:

ClinVar aggregate classification (germline): Pathogenic (1 of 4 stars; one submission).

Submission:

Labcorp Genetics (formerly Invitae), Labcorp
Classification: Pathogenic. Last evaluated: 2026-01-12. Review status: criteria provided, single submitter. Criteria: Invitae Variant Classification Sherloc (09022015). Collection method: clinical testing. Allele origin: germline.
Comment: This sequence change creates a premature translational stop signal (p.Pro1291Argfs*10) in the COL2A1 gene. It is expected to result in an absent or disrupted protein product. Loss-of-function variants in COL2A1 are known to be pathogenic (PMID: 20179744). This variant is not present in population databases (gnomAD no frequency). This premature translational stop signal has been observed in individual(s) with Stickler syndrome (PMID: 27408751). For these reasons, this variant has been classified as Pathogenic.

Literature cited by the submitters: PubMed 20179744; PubMed 27408751.

NM_001844.5(COL2A1):c.3872_3873del (p.Pro1291fs)

Gene: COL2A1 (collagen type II alpha 1 chain; minus strand). Cytogenetic location: 12q13.11.
Variant type: Deletion.
Coding change: c.3872_3873del on transcript NM_001844.5 (MANE Select); coding-DNA positions 3872 to 3873, 2 bases deleted (CT; older notation c.3872_3873delCT).
Protein change: p.Pro1291fs; shifts the reading frame from proline 1291.
Molecular consequence: frameshift variant.
Genome position (GRCh38, 1-based): chr12:47,975,330-47,975,331, AG deleted on the plus strand (CT on the coding strand, the reverse complement: COL2A1 is on the minus strand). VCF-style (leftmost placement, unchanged base first): chr12-47975329-CAG-C. GRCh37 (hg19) VCF-style: chr12-48369112-CAG-C.
Other names: c.3665_3666del, p.Pro1222fs (NM_033150.3); short protein forms P1291fs, P1222fs.
Identifiers: ClinVar variation 4709936 (VCV004709936.1).